The following is an entry in ClinVar:

ClinVar aggregate classification (germline): Uncertain significance. Review status: criteria provided, multiple submitters, no conflicts (2 of 4 stars). 2 submissions from 2 submitters: Uncertain significance (2). Last evaluated 2023-12-06.

Conditions:
Spermatogenic failure 18. Identifiers: MedGen C4539783, MONDO:0054615, OMIM 617576.
Ciliary dyskinesia, primary, 37 (CILD37). Also called: CILIARY DYSKINESIA, PRIMARY, 37, WITH OR WITHOUT SITUS INVERSUS. Identifiers: MedGen C4539798, MONDO:0033204, OMIM 617577.

Allele frequency attached by ClinVar (database versions not stated): gnomAD exomes 0.00003 and 0.00007; ExAC 0.00004; TOPMed 0.00004; gnomAD 0.00007; ESP Exome Variant Server 0.00016.
gnomAD v4.1: 109 of 1,611,178 alleles (0.0068%); highest among the groups gnomAD compares: Non-Finnish European, 0.0091%; no homozygotes.

Submissions (2):

Blueprint Genetics
Classification: Uncertain significance. Last evaluated: 2023-12-06. Review status: criteria provided, single submitter. Criteria: ACMG Guidelines, 2015. Collection method: clinical testing. Allele origin: germline.

Labcorp Genetics (formerly Invitae), Labcorp
Classification: Uncertain significance for Ciliary dyskinesia, primary, 37; Spermatogenic failure 18. Last evaluated: 2021-09-01. Review status: criteria provided, single submitter. Criteria: Invitae Variant Classification Sherloc (09022015). Collection method: clinical testing. Allele origin: germline.
Comment: This sequence change replaces valine with isoleucine at codon 4053 of the DNAH1 protein (p.Val4053Ile). The valine residue is highly conserved and there is a small physicochemical difference between valine and isoleucine. This variant is present in population databases (rs200708752, ExAC 0.008%). This missense change has been observed in individual(s) with clinical features of primary ciliary dyskinesia (Invitae). ClinVar contains an entry for this variant (Variation ID: 544635). Algorithms developed to predict the effect of missense changes on protein structure and function are either unavailable or do not agree on the potential impact of this missense change (SIFT: "Deleterious"; PolyPhen-2: "Probably Damaging"; Align-GVGD: "Class C0"). In summary, the available evidence is currently insufficient to determine the role of this variant in disease. Therefore, it has been classified as a Variant of Uncertain Significance.

NM_015512.5(DNAH1):c.12157G>A (p.Val4053Ile)

Gene: DNAH1 (dynein axonemal heavy chain 1; plus strand). Cytogenetic location: 3p21.1.
Variant type: single nucleotide variant.
Coding change: c.12157G>A on transcript NM_015512.5 (MANE Select); coding-DNA position 12157, G replaced by A.
Protein change: p.Val4053Ile; replaces valine 4053 with isoleucine.
Molecular consequence: missense variant.
Genome position (GRCh38, 1-based): chr3:52,398,917, G>A. VCF-style: chr3-52398917-G-A. GRCh37 (hg19) VCF-style: chr3-52432933-G-A.
Other names: short protein forms V4053I.
Identifiers: ClinVar variation 544635 (VCV000544635.4), dbSNP rs200708752, ClinGen allele CA2436425.